The following is an entry in ClinVar:

ClinVar aggregate classification (germline): Uncertain significance. Review status: criteria provided, multiple submitters, no conflicts (2 of 4 stars). 2 submissions from 2 submitters: Uncertain significance (2). Last evaluated 2024-09-23.

Allele frequency attached by ClinVar (database versions not stated): ExAC 0.00002.
gnomAD v4.1: 5 of 1,613,884 alleles (0.00031%); highest among the groups gnomAD compares: Non-Finnish European, 0.00042%; no homozygotes.

Submissions (2):

Women's Health and Genetics/Laboratory Corporation of America, LabCorp
Classification: Uncertain significance. Last evaluated: 2024-09-23. Review status: criteria provided, single submitter. Criteria: LabCorp Variant Classification Summary - May 2015. Collection method: clinical testing. Allele origin: germline.
Comment: Variant summary: C5 c.4351A>C (p.Thr1451Pro) results in a non-conservative amino acid change located in the Alpha-macroglobulin, receptor-binding domain (IPR009048) of the encoded protein sequence. Three of five in-silico tools predict a damaging effect of the variant on protein function. The variant allele was found at a frequency of 4e-06 in 251326 control chromosomes. The available data on variant occurrences in the general population are insufficient to allow any conclusion about variant significance. To our knowledge, no occurrence of c.4351A>C in individuals affected with C5 Deficiency and no experimental evidence demonstrating its impact on protein function have been reported. ClinVar contains an entry for this variant (Variation ID: 2598804). Based on the evidence outlined above, the variant was classified as uncertain significance.

Ambry Genetics
Classification: Uncertain significance. Last evaluated: 2023-06-23. Review status: criteria provided, single submitter. Criteria: Ambry Variant Classification Scheme 2023. Collection method: clinical testing. Allele origin: germline.

NM_001735.3(C5):c.4351A>C (p.Thr1451Pro)

Gene: C5 (complement C5; minus strand). Cytogenetic location: 9q33.2.
Variant type: single nucleotide variant.
Coding change: c.4351A>C on transcript NM_001735.3 (MANE Select); coding-DNA position 4351, A replaced by C.
Protein change: p.Thr1451Pro; replaces threonine 1451 with proline.
Molecular consequence: missense variant.
Genome position (GRCh38, 1-based): chr9:120,962,940, T>G on the plus strand (A>C on the coding strand, the complement: C5 is on the minus strand). VCF-style: chr9-120962940-T-G. GRCh37 (hg19) VCF-style: chr9-123725218-T-G.
Other names: c.4369A>C, p.Thr1457Pro (NM_001317163.2); short protein forms T1457P, T1451P.
Identifiers: ClinVar variation 2598804 (VCV002598804.3), dbSNP rs761105830, ClinGen allele CA5217193.